The following is an entry in ClinVar:

ClinVar aggregate classification (germline): Uncertain significance. Review status: criteria provided, multiple submitters, no conflicts (2 of 4 stars). 2 submissions from 2 submitters: Uncertain significance (2). Last evaluated 2025-09-26.

Conditions:
Charcot-Marie-Tooth disease type 2A1. Also called: CHARCOT-MARIE-TOOTH DISEASE, AXONAL, TYPE 2A1; CHARCOT-MARIE-TOOTH DISEASE, AXONAL, AUTOSOMAL DOMINANT, TYPE 2A1; CHARCOT-MARIE-TOOTH DISEASE, NEURONAL, TYPE 2A1; CHARCOT-MARIE-TOOTH NEUROPATHY, TYPE 2A1; HEREDITARY MOTOR AND SENSORY NEUROPATHY IIA1. Identifiers: Orphanet 99946, MedGen C1861678, MONDO:0007308, OMIM 118210.

Allele frequency attached by ClinVar (database versions not stated): gnomAD exomes below 0.00001; TOPMed below 0.00001.

Submissions (2):

Ambry Genetics
Classification: Uncertain significance. Last evaluated: 2025-09-26. Review status: criteria provided, single submitter. Criteria: Ambry Variant Classification Scheme 2023. Collection method: clinical testing. Allele origin: germline.

Kariminejad - Najmabadi Pathology & Genetics Center
Classification: Uncertain significance for Charcot-Marie-Tooth disease type 2A1. Last evaluated: 2024-07-09. Review status: criteria provided, single submitter. Criteria: ACMG Guidelines, 2015. Collection method: clinical testing. Allele origin: germline. Inheritance: Autosomal dominant inheritance. Affected: yes.
Comment: PM2 PP2_supporting

NM_001365951.3(KIF1B):c.2362C>G (p.Gln788Glu)

Gene: KIF1B (kinesin family member 1B; plus strand). Cytogenetic location: 1p36.22.
Variant type: single nucleotide variant.
Coding change: c.2362C>G on transcript NM_001365951.3 (MANE Select); coding-DNA position 2362, C replaced by G.
Protein change: p.Gln788Glu; replaces glutamine 788 with glutamic acid.
Molecular consequence: missense variant.
Genome position (GRCh38, 1-based): chr1:10,323,887, C>G. VCF-style: chr1-10323887-C-G. GRCh37 (hg19) VCF-style: chr1-10383945-C-G.
Other names: c.2362C>G, p.Gln788Glu (NM_001365952.1); c.2224C>G, p.Gln742Glu (NM_015074.3); short protein forms Q742E, Q788E.
Identifiers: ClinVar variation 2448086 (VCV002448086.4), dbSNP rs1651618189, ClinGen allele CA338334178.